The following is an entry in ClinVar:

NM_001382430.1(AKT1):c.928T>G (p.Cys310Gly)

Gene: AKT1 (AKT serine/threonine kinase 1; minus strand). Cytogenetic location: 14q32.33.
Variant type: single nucleotide variant.
Coding change: c.928T>G on transcript NM_001382430.1 (MANE Select); coding-DNA position 928, T replaced by G.
Protein change: p.Cys310Gly; replaces cysteine 310 with glycine.
Molecular consequence: missense variant.
Genome position (GRCh38, 1-based): chr14:104,773,280, A>C on the plus strand (T>G on the coding strand, the complement: AKT1 is on the minus strand). VCF-style: chr14-104773280-A-C. GRCh37 (hg19) VCF-style: chr14-105239617-A-C.
Other names: c.928T>G, p.Cys310Gly (NM_001014431.2, NM_001014432.2, NM_001382431.1 and 3 more transcripts); short protein forms C310G.
Identifiers: ClinVar variation 3283036 (VCV003283036.1).

ClinVar aggregate classification (germline): Uncertain significance (1 of 4 stars; one submission).

Conditions:
Inborn genetic diseases. Identifiers: MedGen C0950123, MeSH D030342.

gnomAD v4.1: 4 of 1,614,210 alleles (0.00025%); highest among the groups gnomAD compares: Non-Finnish European, 0.00034%; no homozygotes.

Submission:

Ambry Genetics
Classification: Uncertain significance for Inborn genetic diseases. Last evaluated: 2024-05-29. Review status: criteria provided, single submitter. Criteria: Ambry Variant Classification Scheme 2023. Collection method: clinical testing. Allele origin: germline.
Comment: The p.C310G variant (also known as c.928T>G), located in coding exon 9 of the AKT1 gene, results from a T to G substitution at nucleotide position 928. The cysteine at codon 310 is replaced by glycine, an amino acid with highly dissimilar properties. This amino acid position is conserved. In addition, this alteration is predicted to be deleterious by in silico analysis. Based on the available evidence, the clinical significance of this variant remains unclear.